The following is an entry in ClinVar:

NM_002890.3(RASA1):c.1366G>A (p.Gly456Ser)

Genes: CCNH (cyclin H; minus strand), RASA1 (RAS p21 protein activator 1; plus strand). Cytogenetic location: 5q14.3.
Variant type: single nucleotide variant.
Coding change: c.1366G>A on transcript NM_002890.3 (MANE Select); coding-DNA position 1366, G replaced by A.
Protein change: p.Gly456Ser; replaces glycine 456 with serine.
Molecular consequence: missense variant. On other transcripts: intron variant (1).
Genome position (GRCh38, 1-based): chr5:87,362,584, G>A. VCF-style: chr5-87362584-G-A. GRCh37 (hg19) VCF-style: chr5-86658401-G-A.
Other names: c.835G>A, p.Gly279Ser (NM_022650.3); c.933+32460C>T (NM_001364075.2); short protein forms G279S, G456S.
Identifiers: ClinVar variation 3607334 (VCV003607334.2).
Genomic context (GRCh38, chr5:87,362,584, plus strand): 5'-ATAATTTTAATGTTTTTTAAAATTCAGGATCAAGAACAAGTACTCAATGACACAGTGGAT[G>A]GCAAGGAAATCTATAATACCATCCGTCGTAAAACAAAGGATGCCTTTTATAAAAACATTG-3'
Protein context (NP_002881.1, residues 446-466): QEQVLNDTVD[Gly456Ser]KEIYNTIRRK

ClinVar aggregate classification (germline): Uncertain significance (1 of 4 stars; one submission).

Conditions:
Capillary malformation-arteriovenous malformation syndrome. Also called: Capillary malformation-arteriovenous malformation. Identifiers: Orphanet 137667, MedGen C1842180, MONDO:0012016.

Submission:

Labcorp Genetics (formerly Invitae), Labcorp
Classification: Uncertain significance for Capillary malformation-arteriovenous malformation syndrome. Last evaluated: 2024-08-06. Review status: criteria provided, single submitter. Criteria: Invitae Variant Classification Sherloc (09022015). Collection method: clinical testing. Allele origin: germline.
Comment: This sequence change replaces glycine, which is neutral and non-polar, with serine, which is neutral and polar, at codon 456 of the RASA1 protein (p.Gly456Ser). This variant is not present in population databases (gnomAD no frequency). This variant has not been reported in the literature in individuals affected with RASA1-related conditions. An algorithm developed to predict the effect of missense changes on protein structure and function (PolyPhen-2) suggests that this variant is likely to be disruptive. In summary, the available evidence is currently insufficient to determine the role of this variant in disease. Therefore, it has been classified as a Variant of Uncertain Significance.